The following is an entry in ClinVar:

ClinVar aggregate classification (germline): Uncertain significance (1 of 4 stars; one submission).

Allele frequency attached by ClinVar (database versions not stated): gnomAD 0.00001; gnomAD exomes 0.00002; TOPMed 0.00002.
gnomAD v4.1: 63 of 1,511,088 alleles (0.0042%); highest among the groups gnomAD compares: Non-Finnish European, 0.0053%; no homozygotes.

Submission:

Labcorp Genetics (formerly Invitae), Labcorp
Classification: Uncertain significance. Last evaluated: 2024-01-08. Review status: criteria provided, single submitter. Criteria: Invitae Variant Classification Sherloc (09022015). Collection method: clinical testing. Allele origin: germline.
Comment: This sequence change replaces aspartic acid, which is acidic and polar, with asparagine, which is neutral and polar, at codon 1158 of the COL18A1 protein (p.Asp1158Asn). The frequency data for this variant in the population databases is considered unreliable, as metrics indicate poor data quality at this position in the gnomAD database. This variant has not been reported in the literature in individuals affected with COL18A1-related conditions. ClinVar contains an entry for this variant (Variation ID: 1491825). Experimental studies and prediction algorithms are not available or were not evaluated, and the functional significance of this variant is currently unknown. In summary, the available evidence is currently insufficient to determine the role of this variant in disease. Therefore, it has been classified as a Variant of Uncertain Significance.

NM_001379500.1(COL18A1):c.3481G>A (p.Asp1161Asn)

Genes: COL18A1 (collagen type XVIII alpha 1 chain; plus strand), SLC19A1 (solute carrier family 19 member 1; minus strand). Cytogenetic location: 21q22.3.
Variant type: single nucleotide variant.
Coding change: c.3481G>A on transcript NM_001379500.1 (MANE Select); coding-DNA position 3481, G replaced by A.
Protein change: p.Asp1161Asn; replaces aspartic acid 1161 with asparagine.
Molecular consequence: missense variant.
Genome position (GRCh38, 1-based): chr21:45,509,587, G>A. VCF-style: chr21-45509587-G-A. GRCh37 (hg19) VCF-style: chr21-46929501-G-A.
Other names: c.4012G>A, p.Asp1338Asn (NM_030582.4); c.4717G>A, p.Asp1573Asn (NM_130444.3); short protein forms D1573N, D1338N, D1161N.
Identifiers: ClinVar variation 1491825 (VCV001491825.4), dbSNP rs1193206994, ClinGen allele CA410501239.
Genomic context (GRCh38, chr21:45,509,587, plus strand): 5'-AGCTCCTACGTGCACCTGCGGCCGGCGCGACCCACAAGCCCACCCGCCCACAGCCACCGC[G>A]ACTTCCAGCCGGTGGTGAGTGCCCCCCCAAAGTGGGCTTGGCTCCATCTAGCCCCTCGGC-3'
Protein context (NP_001366429.1, residues 1151-1171): PTSPPAHSHR[Asp1161Asn]FQPVLHLVAL